The following is an entry in ClinVar:

NM_001385012.1(NBEA):c.4423G>T (p.Val1475Phe)

Gene: NBEA (neurobeachin; plus strand). Cytogenetic location: 13q13.3.
Variant type: single nucleotide variant.
Coding change: c.4423G>T on transcript NM_001385012.1 (MANE Select); coding-DNA position 4423, G replaced by T.
Protein change: p.Val1475Phe; replaces valine 1475 with phenylalanine.
Molecular consequence: missense variant.
Genome position (GRCh38, 1-based): chr13:35,171,452, G>T. VCF-style: chr13-35171452-G-T. GRCh37 (hg19) VCF-style: chr13-35745589-G-T.
Other names: NC_000013.10:g.35745589G>T; c.4414G>T, p.Val1472Phe (NM_001379245.1); c.4423G>T, p.Val1475Phe (NM_015678.5); c.4423G>T (NM_015678.4); short protein forms V1472F, V1475F.
Identifiers: ClinVar variation 4392130 (VCV004392130.2).

ClinVar aggregate classification (germline): Uncertain significance (1 of 4 stars; one submission).

Conditions:
NBEA-related disorder. Also called: NBEA-related condition.

Submissions (2):

PreventionGenetics, part of Exact Sciences
Classification: Uncertain significance for NBEA-related condition. Last evaluated: 2026-06-25. Review status: criteria provided, single submitter. Criteria: ACMG Guidelines, 2015. Collection method: clinical testing. Allele origin: germline.
Comment: The NBEA c.4423G>T variant is predicted to result in the amino acid substitution p.Val1475Phe. To our knowledge, this variant has not been reported in the literature or in a large population database (gnomAD), indicating this variant is rare. At this time, the clinical significance of this variant is uncertain due to the absence of conclusive functional and genetic evidence.

Dr. Peter K. Rogan Lab, Western University
No classification provided (evidence only). Condition: Melanoma. Review status: no classification provided. Collection method: in vitro. Allele origin: not applicable. Functional consequence: retained intron. Not counted in ClinVar's aggregate classification.